The following is an entry in ClinVar:

NM_001101648.2(NPC1L1):c.3841G>A (p.Glu1281Lys)

Gene: NPC1L1 (NPC1 like intracellular cholesterol transporter 1; minus strand). Cytogenetic location: 7p13.
Variant type: single nucleotide variant.
Coding change: c.3841G>A on transcript NM_001101648.2 (MANE Select); coding-DNA position 3841, G replaced by A.
Protein change: p.Glu1281Lys; replaces glutamic acid 1281 with lysine.
Molecular consequence: missense variant.
Genome position (GRCh38, 1-based): chr7:44,513,605, C>T on the plus strand (G>A on the coding strand, the complement: NPC1L1 is on the minus strand). VCF-style: chr7-44513605-C-T. GRCh37 (hg19) VCF-style: chr7-44553204-C-T.
Other names: c.3922G>A, p.Glu1308Lys (NM_013389.3); short protein forms E1281K, E1308K.
Identifiers: ClinVar variation 3035704 (VCV003035704.2), dbSNP rs217435, ClinGen allele CA4241377.

ClinVar aggregate classification (germline): Benign (0 of 4 stars; one submission).

Conditions:
NPC1L1-related disorder. Also called: NPC1L1-related condition.

Allele frequency attached by ClinVar (database versions not stated): gnomAD exomes 0.00032; ExAC 0.00097; gnomAD 0.00299; 1000 Genomes Project 0.00300; 1000 Genomes Project 30x 0.00328; TOPMed 0.00356; ESP Exome Variant Server 0.00369.
gnomAD v4.1: 951 of 1,613,758 alleles (0.059%); highest among the groups gnomAD compares: African/African-American, 1.1%; 6 homozygotes.

Submission:

PreventionGenetics, part of Exact Sciences
Classification: Benign for NPC1L1-related condition. Last evaluated: 2019-02-21. Review status: no assertion criteria provided. Collection method: clinical testing. Allele origin: germline.
Comment: This variant is classified as benign based on ACMG/AMP sequence variant interpretation guidelines (Richards et al. 2015 PMID: 25741868, with internal and published modifications).